The following is an entry in ClinVar:

NM_000181.4(GUSB):c.1794G>A (p.Pro598=)

Gene: GUSB (glucuronidase beta; minus strand). Cytogenetic location: 7q11.21.
Variant type: single nucleotide variant.
Coding change: c.1794G>A on transcript NM_000181.4 (MANE Select); coding-DNA position 1794, G replaced by A.
Protein change: p.Pro598=; no amino-acid change (proline 598 retained).
Molecular consequence: synonymous variant. On other transcripts: non-coding transcript variant (1).
Genome position (GRCh38, 1-based): chr7:65,961,059, C>T on the plus strand (G>A on the coding strand, the complement: GUSB is on the minus strand). VCF-style: chr7-65961059-C-T. GRCh37 (hg19) VCF-style: chr7-65426046-C-T.
Other names: c.1356G>A, p.Pro452= (NM_001284290.2); c.1224G>A, p.Pro408= (NM_001293104.2); c.1137G>A, p.Pro379= (NM_001293105.2).
Identifiers: ClinVar variation 2705020 (VCV002705020.5), dbSNP rs751161248, ClinGen allele CA4276160.

ClinVar aggregate classification (germline): Likely benign. Review status: criteria provided, multiple submitters, no conflicts (2 of 4 stars). 2 submissions from 2 submitters: Likely benign (2). Last evaluated 2026-06-01.

Conditions:
Mucopolysaccharidosis type 7 (MPS7). Also called: BETA-GLUCURONIDASE DEFICIENCY; GUSB DEFICIENCY; SLY SYNDROME; MPS VII. Identifiers: Orphanet 584, MedGen C0085132, MONDO:0009662, OMIM 253220.

Allele frequency attached by ClinVar (database versions not stated): gnomAD 0.00001; TOPMed 0.00001; gnomAD exomes 0.00002; ExAC 0.00001.

Submissions (2):

CeGaT Center for Human Genetics Tuebingen
Classification: Likely benign. Last evaluated: 2026-06-01. Review status: criteria provided, single submitter. Criteria: CeGaT Center For Human Genetics Tuebingen Variant Classification Criteria Version 2. Collection method: clinical testing. Allele origin: germline. Affected: yes. Observed: 1 variant allele.
Comment: GUSB: BP4, BP7

Labcorp Genetics (formerly Invitae), Labcorp
Classification: Likely benign for Mucopolysaccharidosis type 7. Last evaluated: 2025-06-17. Review status: criteria provided, single submitter. Criteria: Invitae Variant Classification Sherloc (09022015). Collection method: clinical testing. Allele origin: germline.